The following is an entry in ClinVar:

ClinVar aggregate classification (germline): Likely benign. Review status: criteria provided, multiple submitters, no conflicts (2 of 4 stars). 4 submissions from 4 submitters: Likely benign (3). 1 of the submissions does not count toward it. Last evaluated 2025-04-17.

Conditions:
Acroosteolysis-keloid-like lesions-premature aging syndrome. Also called: Premature aging syndrome, Penttinen type; Prematurely aged appearance, delayed bone maturation, acro-osteolysis, and brachydactyly; Progeroid syndrome, Penttinen type. Identifiers: Orphanet 363665, MedGen C1866182, MONDO:0011150, OMIM 601812.
Basal ganglia calcification, idiopathic, 4 (PFBC4). Also called: Familial Idiopathic Basal Ganglia Calcification 4; PRIMARY FAMILIAL BRAIN CALCIFICATION 4, AUTOSOMAL DOMINANT. Identifiers: Orphanet 1980, MedGen C3554321, MONDO:0014004, OMIM 615007.
Infantile myofibromatosis (IMF). Also called: Congenital generalized fibromatosis. Identifiers: Orphanet 2591, MedGen C0432284, MONDO:0016824.
Skeletal overgrowth-craniofacial dysmorphism-hyperelastic skin-white matter lesions syndrome. Also called: SKELETAL OVERGROWTH WITH FACIAL DYSMORPHISM, HYPERELASTIC SKIN, WHITE MATTER LESIONS, AND NEUROLOGIC DETERIORATION; Kosaki overgrowth syndrome. Identifiers: Orphanet 477831, MedGen C4225270, MONDO:0014704, OMIM 616592.
PDGFRB-related disorder. Also called: PDGFRB-related condition.
Inborn genetic diseases. Identifiers: MedGen C0950123, MeSH D030342.

Allele frequency attached by ClinVar (database versions not stated): ExAC 0.00023; gnomAD exomes 0.00024 and 0.00050; ESP Exome Variant Server 0.00046; 1000 Genomes Project 0.00020; gnomAD 0.00023; 1000 Genomes Project 30x 0.00016; TOPMed 0.00027.
gnomAD v4.1: 778 of 1,613,428 alleles (0.048%); highest among the groups gnomAD compares: Non-Finnish European, 0.059%; 2 homozygotes.

Submissions (4):

Labcorp Genetics (formerly Invitae), Labcorp
Classification: Likely benign for Basal ganglia calcification, idiopathic, 4; Skeletal overgrowth-craniofacial dysmorphism-hyperelastic skin-white matter lesions syndrome; Infantile myofibromatosis; Acroosteolysis-keloid-like lesions-premature aging syndrome. Last evaluated: 2025-04-17. Review status: criteria provided, single submitter. Criteria: Invitae Variant Classification Sherloc (09022015). Collection method: clinical testing. Allele origin: germline.

Blueprint Genetics
Classification: Likely benign. Last evaluated: 2024-11-18. Review status: criteria provided, single submitter. Criteria: ACMG Guidelines, 2015. Collection method: clinical testing. Allele origin: germline.

Ambry Genetics
Classification: Likely benign for Inborn genetic diseases. Last evaluated: 2021-08-20. Review status: criteria provided, single submitter. Criteria: Ambry Variant Classification Scheme 2023. Collection method: clinical testing. Allele origin: germline.

PreventionGenetics, part of Exact Sciences
Classification: Likely benign for PDGFRB-related condition. Last evaluated: 2023-09-11. Review status: no assertion criteria provided. Collection method: clinical testing. Allele origin: germline. Not counted in ClinVar's aggregate classification.
Comment: This variant is classified as likely benign based on ACMG/AMP sequence variant interpretation guidelines (Richards et al. 2015 PMID: 25741868, with internal and published modifications).

NM_002609.4(PDGFRB):c.17C>T (p.Ala6Val)

Gene: PDGFRB (platelet derived growth factor receptor beta; minus strand). Cytogenetic location: 5q32.
Variant type: single nucleotide variant.
Coding change: c.17C>T on transcript NM_002609.4 (MANE Select); coding-DNA position 17, C replaced by T.
Protein change: p.Ala6Val; replaces alanine 6 with valine.
Molecular consequence: missense variant. On other transcripts: 5 prime UTR variant (1), intron variant (1).
Genome position (GRCh38, 1-based): chr5:150,137,031, G>A on the plus strand (C>T on the coding strand, the complement: PDGFRB is on the minus strand). VCF-style: chr5-150137031-G-A. GRCh37 (hg19) VCF-style: chr5-149516594-G-A.
Other names: c.-501C>T (NM_001355017.2); c.-152-1153C>T (NM_001355016.2); c.17C>T (NM_002609.3); short protein forms A6V.
Identifiers: ClinVar variation 1586531 (VCV001586531.12), dbSNP rs150173975, ClinGen allele CA3508457.
Genomic context (GRCh38, chr5:150,137,031, plus strand): 5'-CCCCCCGGGTCCCCTACCTTATCTCCCATCTACCCACCTTTGAGGGCCAGAGCTGGCATC[G>A]CACCCGGAAGCCGCATGGTGTCCTGCAGAGTTAAACAGGAGTCAGGGCCCAGGGCAGGTG-3'
Protein context (NP_002600.1, residues 1-16): MRLPG[Ala6Val]MPALALKGEL